The following is an entry in ClinVar:

NM_004859.4(CLTC):c.4945G>A (p.Val1649Ile)

Gene: CLTC (clathrin heavy chain; plus strand). Cytogenetic location: 17q23.1.
Variant type: single nucleotide variant.
Coding change: c.4945G>A on transcript NM_004859.4 (MANE Select); coding-DNA position 4945, G replaced by A.
Protein change: p.Val1649Ile; replaces valine 1649 with isoleucine.
Molecular consequence: missense variant.
Genome position (GRCh38, 1-based): chr17:59,693,769, G>A. VCF-style: chr17-59693769-G-A. GRCh37 (hg19) VCF-style: chr17-57771130-G-A.
Other names: c.4957G>A, p.Val1653Ile (NM_001288653.2); short protein forms V1653I, V1649I.
Identifiers: ClinVar variation 1369410 (VCV001369410.6), dbSNP rs1337950048, ClinGen allele CA400425714.
Genomic context (GRCh38, chr17:59,693,769, plus strand): 5'-TTGTTTTCTTCTACTGTAGGTCAGCCCCAGTTGATGCTGACAGCAGGACCCAGTGTTGCC[G>A]TCCCTCCCCAGGCACCTTTTGGTTATGGTTATACCGCACCACCGTATGGACAGCCACAGC-3'
Protein context (NP_004850.1, residues 1639-1659): LMLTAGPSVA[Val1649Ile]PPQAPFGYGY

ClinVar aggregate classification (germline): Uncertain significance (1 of 4 stars; one submission).

Allele frequency attached by ClinVar (database versions not stated): gnomAD exomes 0.00001.
gnomAD v4.1: 9 of 1,613,694 alleles (0.00056%); highest among the groups gnomAD compares: Admixed American, 0.0017%; no homozygotes.

Submission:

Labcorp Genetics (formerly Invitae), Labcorp
Classification: Uncertain significance. Last evaluated: 2026-01-12. Review status: criteria provided, single submitter. Criteria: Invitae Variant Classification Sherloc (09022015). Collection method: clinical testing. Allele origin: germline.
Comment: This sequence change replaces valine, which is neutral and non-polar, with isoleucine, which is neutral and non-polar, at codon 1653 of the CLTC protein (p.Val1653Ile). This variant is present in population databases (no rsID available, gnomAD 0.003%). This variant has not been reported in the literature in individuals affected with CLTC-related conditions. ClinVar contains an entry for this variant (Variation ID: 1369410). Experimental studies and prediction algorithms are not available or were not evaluated, and the functional significance of this variant is currently unknown. In summary, the available evidence is currently insufficient to determine the role of this variant in disease. Therefore, it has been classified as a Variant of Uncertain Significance.